The following is an entry in ClinVar:

ClinVar aggregate classification (germline): Likely benign (1 of 4 stars; one submission).

Submission:

CeGaT Center for Human Genetics Tuebingen
Classification: Likely benign. Last evaluated: 2026-07-01. Review status: criteria provided, single submitter. Criteria: CeGaT Center For Human Genetics Tuebingen Variant Classification Criteria Version 2. Collection method: clinical testing. Allele origin: germline. Affected: yes. Observed: 1 variant allele.
Comment: NIT1: PM2:Supporting, BP4, BP7

NM_005600.3(NIT1):c.144G>T (p.Leu48=)

Gene: NIT1 (nitrilase 1; plus strand). Cytogenetic location: 1q23.3.
Variant type: single nucleotide variant.
Coding change: c.144G>T on transcript NM_005600.3 (MANE Select); coding-DNA position 144, G replaced by T.
Protein change: p.Leu48=; no amino-acid change (leucine 48 retained).
Molecular consequence: synonymous variant.
Genome position (GRCh38, 1-based): chr1:161,119,179, G>T. VCF-style: chr1-161119179-G-T. GRCh37 (hg19) VCF-style: chr1-161088969-G-T.
Other names: c.144G>T, p.Leu48= (NM_001185092.2); c.99G>T, p.Leu33= (NM_001185093.2); c.36G>T, p.Leu12= (NM_001185094.2).
Identifiers: ClinVar variation 5038910 (VCV005038910.1).